The following is an entry in ClinVar:

ClinVar aggregate classification (germline): Uncertain significance (1 of 4 stars; one submission).

Allele frequency attached by ClinVar (database versions not stated): gnomAD exomes below 0.00001.
gnomAD v4.1: 5 of 1,608,350 alleles (0.00031%); highest among the groups gnomAD compares: Non-Finnish European, 0.00034%; no homozygotes.

Submission:

GeneDx
Classification: Uncertain significance. Last evaluated: 2023-03-20. Review status: criteria provided, single submitter. Criteria: GeneDx Variant Classification Process June 2021. Collection method: clinical testing. Allele origin: germline. Affected: yes.
Comment: Not observed at significant frequency in large population cohorts (gnomAD); In silico analysis supports that this missense variant does not alter protein structure/function; Has not been previously published as pathogenic or benign to our knowledge

NM_001127222.2(CACNA1A):c.106A>G (p.Ser36Gly)

Gene: CACNA1A (calcium voltage-gated channel subunit alpha1 A; minus strand). Cytogenetic location: 19p13.13.
Variant type: single nucleotide variant.
Coding change: c.106A>G on transcript NM_001127222.2 (MANE Select); coding-DNA position 106, A replaced by G.
Protein change: p.Ser36Gly; replaces serine 36 with glycine.
Molecular consequence: missense variant.
Genome position (GRCh38, 1-based): chr19:13,506,119, T>C on the plus strand (A>G on the coding strand, the complement: CACNA1A is on the minus strand). VCF-style: chr19-13506119-T-C. GRCh37 (hg19) VCF-style: chr19-13616933-T-C.
Other names: c.106A>G, p.Ser36Gly (NM_000068.4, NM_001127221.2, NM_001174080.2 and 1 more transcripts); short protein forms S36G.
Identifiers: ClinVar variation 2580386 (VCV002580386.1), dbSNP rs2513709713, ClinGen allele CA404971200.